The following is an entry in ClinVar:

NM_001164508.2(NEB):c.24413T>C (p.Met8138Thr)

Genes: NEB (nebulin; minus strand), RIF1 (replication timing regulatory factor 1; plus strand). Cytogenetic location: 2q23.3.
Variant type: single nucleotide variant.
Coding change: c.24413T>C on transcript NM_001164508.2 (MANE Select); coding-DNA position 24413, T replaced by C.
Protein change: p.Met8138Thr; replaces methionine 8138 with threonine.
Molecular consequence: missense variant.
Genome position (GRCh38, 1-based): chr2:151,496,349, A>G on the plus strand (T>C on the coding strand, the complement: NEB is on the minus strand). VCF-style: chr2-151496349-A-G. GRCh37 (hg19) VCF-style: chr2-152352863-A-G.
Other names: c.24413T>C, p.Met8138Thr (NM_001164507.2); c.24518T>C, p.Met8173Thr (NM_001271208.2); c.18845T>C, p.Met6282Thr (NM_004543.5); short protein forms M6282T, M8138T, M8173T.
Identifiers: ClinVar variation 1024869 (VCV001024869.6), dbSNP rs1320244420, ClinGen allele CA348778400.

ClinVar aggregate classification (germline): Uncertain significance. Review status: criteria provided, single submitter (1 of 4 stars). 2 submissions from 2 submitters: Uncertain significance (1). 1 of the submissions does not count toward it. Last evaluated 2021-09-01.

Conditions:
Nemaline myopathy 2 (NEM2). Also called: Nemaline myopathy 2, autosomal recessive. Identifiers: MedGen C1850569, MONDO:0009725, OMIM 256030.

Allele frequency attached by ClinVar (database versions not stated): gnomAD exomes below 0.00001; gnomAD 0.00001; TOPMed 0.00002.
gnomAD v4.1: 8 of 1,610,322 alleles (0.0005%); highest among the groups gnomAD compares: Middle Eastern, 0.016%; no homozygotes.

Submissions (2):

Labcorp Genetics (formerly Invitae), Labcorp
Classification: Uncertain significance for Nemaline myopathy 2. Last evaluated: 2021-09-01. Review status: criteria provided, single submitter. Criteria: Invitae Variant Classification Sherloc (09022015). Collection method: clinical testing. Allele origin: germline.
Comment: This sequence change replaces methionine with threonine at codon 8173 of the NEB protein (p.Met8173Thr). The methionine residue is moderately conserved and there is a moderate physicochemical difference between methionine and threonine. This variant is not present in population databases (ExAC no frequency). This variant has not been reported in the literature in individuals affected with NEB-related conditions. Algorithms developed to predict the effect of missense changes on protein structure and function are either unavailable or do not agree on the potential impact of this missense change (SIFT: "Deleterious"; PolyPhen-2: "Not Available"; Align-GVGD: "Class C0"). In summary, the available evidence is currently insufficient to determine the role of this variant in disease. Therefore, it has been classified as a Variant of Uncertain Significance.

Natera, Inc.
Classification: Uncertain significance for Nemaline myopathy type 2. Last evaluated: 2020-09-30. Review status: no assertion criteria provided. Collection method: clinical testing. Allele origin: germline. Not counted in ClinVar's aggregate classification.